The following is an entry in ClinVar:

ClinVar aggregate classification (germline): Pathogenic. Review status: reviewed by expert panel (3 of 4 stars). 2 submissions from 2 submitters: Pathogenic (1). 1 of the submissions does not count toward it. Last evaluated 2016-10-18.

Conditions:
Breast-ovarian cancer, familial, susceptibility to, 2 (BROVCA2). Also called: BRCA2 Hereditary Breast and Ovarian Cancer. Identifiers: Orphanet 145, MedGen C2675520, MONDO:0012933, OMIM 612555. Disease mechanism: loss of function.

Submissions (2):

Evidence-based Network for the Interpretation of Germline Mutant Alleles (ENIGMA)
Classification: Pathogenic for Breast-ovarian cancer, familial, susceptibility to, 2. Last evaluated: 2016-10-18. Review status: reviewed by expert panel. Criteria: ENIGMA BRCA1/2 Classification Criteria (2015). Collection method: curation. Allele origin: germline.
Comment: Variant allele predicted to encode a truncated non-functional protein.

Consortium of Investigators of Modifiers of BRCA1/2 (CIMBA), c/o University of Cambridge
Classification: Pathogenic for Breast-ovarian cancer, familial, susceptibility to, 2. Last evaluated: 2015-10-02. Review status: criteria provided, single submitter. Criteria: CIMBA Mutation Classification guidelines May 2016. Collection method: clinical testing. Allele origin: germline. Not counted in ClinVar's aggregate classification.

NM_000059.4(BRCA2):c.506del (p.Lys169fs)

Gene: BRCA2 (BRCA2 DNA repair associated; plus strand). Cytogenetic location: 13q13.1.
Variant type: Deletion.
Coding change: c.506del on transcript NM_000059.4 (MANE Select); coding-DNA position 506, one base deleted (A; older notation c.506delA).
Protein change: p.Lys169fs; shifts the reading frame from lysine 169.
Molecular consequence: frameshift variant.
Genome position (GRCh38, 1-based): chr13:32,326,272, A deleted; the last of 3 consecutive A bases (chr13:32,326,270-32,326,272); deleting any one gives the same sequence. VCF-style (leftmost placement, unchanged base first): chr13-32326269-CA-C. GRCh37 (hg19) VCF-style: chr13-32900406-CA-C.
Other names: 734delA; short protein forms K169fs.
Identifiers: ClinVar variation 266846 (VCV000266846.7), dbSNP rs886040563, ClinGen allele CA10589031.